The following is an entry in ClinVar:

ClinVar aggregate classification (germline): Uncertain significance (1 of 4 stars; one submission).

gnomAD v4.1: 3 of 1,612,556 alleles (0.00019%); highest among the groups gnomAD compares: African/African-American, 0.004%; no homozygotes.

Submission:

Mayo Clinic Laboratories, Mayo Clinic
Classification: Uncertain significance. Last evaluated: 2024-07-17. Review status: criteria provided, single submitter. Criteria: ACMG Guidelines, 2015. Collection method: clinical testing. Allele origin: germline. Observed: 1 variant allele.
Comment: PP3, PM2

NM_000426.4(LAMA2):c.7405T>C (p.Tyr2469His)

Gene: LAMA2 (laminin subunit alpha 2; plus strand). Cytogenetic location: 6q22.33.
Variant type: single nucleotide variant.
Coding change: c.7405T>C on transcript NM_000426.4 (MANE Select); coding-DNA position 7405, T replaced by C.
Protein change: p.Tyr2469His; replaces tyrosine 2469 with histidine.
Molecular consequence: missense variant.
Genome position (GRCh38, 1-based): chr6:129,473,318, T>C. VCF-style: chr6-129473318-T-C. GRCh37 (hg19) VCF-style: chr6-129794463-T-C.
Other names: p.Tyr2469His; c.7405T>C, p.Tyr2469His (NM_001079823.2); short protein forms Y2469H.
Identifiers: ClinVar variation 3379714 (VCV003379714.1).